The following is an entry in ClinVar:

ClinVar aggregate classification (germline): Pathogenic/Likely pathogenic. Review status: criteria provided, multiple submitters, no conflicts (2 of 4 stars). 2 submissions from 2 submitters: Pathogenic (1); Likely pathogenic (1). Last evaluated 2026-07-20.

Conditions:
Endometrial carcinoma. Also called: Endometrial carcinoma, somatic. Identifiers: MedGen C0476089, MONDO:0002447, OMIM 608089, HP:0012114.
Hereditary cancer-predisposing syndrome. Also called: Hereditary neoplastic syndrome; Hereditary Cancer Syndrome; Neoplastic Syndromes, Hereditary; Tumor predisposition. Identifiers: Orphanet 140162, MedGen C0027672, MeSH D009386, MONDO:0015356.

Submissions (2):

Ambry Genetics
Classification: Pathogenic for Hereditary cancer-predisposing syndrome. Last evaluated: 2026-07-20. Review status: criteria provided, single submitter. Criteria: Ambry Variant Classification Scheme 2023. Collection method: clinical testing. Allele origin: germline.
Comment: The c.2646dupT pathogenic mutation, located in coding exon 4 of the MSH6 gene, results from a duplication of T at nucleotide position 2646, causing a translational frameshift with a predicted alternate stop codon (p.K883*). This variant is considered to be rare based on population cohorts in the Genome Aggregation Database (gnomAD). This alteration is expected to result in loss of function by premature protein truncation or nonsense-mediated mRNA decay. As such, this alteration is interpreted as a disease-causing mutation.

Baylor Genetics
Classification: Likely pathogenic for Endometrial carcinoma. Last evaluated: 2023-05-19. Review status: criteria provided, single submitter. Criteria: ACMG Guidelines, 2015. Collection method: clinical testing. Allele origin: unknown.

NM_000179.3(MSH6):c.2646dup (p.Lys883Ter)

Gene: MSH6 (mutS homolog 6; plus strand). Cytogenetic location: 2p16.3.
Variant type: Duplication.
Coding change: c.2646dup on transcript NM_000179.3 (MANE Select); coding-DNA position 2646, one base duplicated (T; older notation c.2646dupT).
Protein change: p.Lys883Ter; replaces lysine 883 with a stop codon.
Molecular consequence: nonsense. On other transcripts: non-coding transcript variant (5), intron variant (3).
Genome position (GRCh38, 1-based): chr2:47,800,629, T duplicated; the last of 4 consecutive T bases (chr2:47,800,626-47,800,629); duplicating any one gives the same sequence. VCF-style (leftmost placement, unchanged base first): chr2-47800625-G-GT. GRCh37 (hg19) VCF-style: chr2-48027764-G-GT.
Other names: c.2646dupT (NM_000179.2); c.2646dup, p.Lys883Ter (NM_001406798.1, NM_001406800.1, NM_001406808.1 and 2 more transcripts); c.2121dup, p.Lys708Ter (NM_001406799.1, NM_001406806.1, NM_001406807.1); c.2349dup, p.Lys784Ter (NM_001406801.1, NM_001406805.1, NM_001406818.1 and 10 more transcripts); c.2742dup, p.Lys915Ter (NM_001406802.1, NM_001406795.1); c.2568dup, p.Lys857Ter (NM_001406804.1); c.1740dup, p.Lys581Ter (NM_001406811.1, NM_001406812.1, NM_001406814.1 and 6 more transcripts); c.2652dup, p.Lys885Ter (NM_001406813.1); and 5 more; short protein forms K581*, K708*, K753*, K784*, K827*, K857*, K883*, K885*.
Identifiers: ClinVar variation 2676812 (VCV002676812.2), dbSNP rs2530684705, ClinGen allele CA2695200564.